The following is an entry in ClinVar:

NM_014271.3:c.363-43_704-104864dup

Gene: IL1RAPL1 (interleukin 1 receptor accessory protein like 1; plus strand).
Variant type: Duplication.
Identifiers: ClinVar variation 4838600 (VCV004838600.1).

ClinVar aggregate classification (germline): Likely pathogenic (1 of 4 stars; one submission).

Conditions:
Inborn genetic diseases. Identifiers: MedGen C0950123, MeSH D030342.

Submission:

Ambry Genetics
Classification: Likely pathogenic for Inborn genetic diseases. Last evaluated: 2026-01-12. Review status: criteria provided, single submitter. Criteria: Ambry Variant Classification Scheme 2023. Collection method: clinical testing. Allele origin: germline.
Comment: The c.363-43_704-104864dup gross duplication consists of a duplication of c.363-43 through c.704-104864 which includes coding exons 3 through 4 in the IL1RAPL1 gene. Gross duplications are expected to occur in tandem, resulting in an abnormal protein or a transcript that is subject to nonsense-mediated mRNA decay (Richardson, 2019). Alteration description for 25-804285: The c.[363-43_704-104864dup;704-104864_704-104865insG] haplotype consists of a duplication of c.363-43 through c.704-104864, which includes coding exons 3 through 4, and an insertion of a G nucleotide at position 704-104865 in the IL1RAPL1 gene. Gross duplications are expected to occur in tandem, resulting in an abnormal protein or a transcript that is subject to nonsense-mediated mRNA decay (Richardson, 2019). This variant was not reported in population-based cohorts in the Genome Aggregation Database (gnomAD). A similar variant segregated with disease in at least one family with features consistent with IL1RAPL1-related neurodevelopmental disorder (Chatron, 2017). Based on the available evidence, this alteration is classified as likely pathogenic.

Literature cited by the submitters: PubMed 29230163.